The following is an entry in ClinVar:

ClinVar aggregate classification (germline): Conflicting classifications of pathogenicity. Review status: criteria provided, conflicting classifications (1 of 4 stars). 7 submissions from 7 submitters: Uncertain significance (1); Likely benign (6). Last evaluated 2026-07-01.

Conditions:
DNMT3B-related disorder. Also called: DNMT3B-related condition.
Immunodeficiency-centromeric instability-facial anomalies syndrome 1 (ICF1). Identifiers: Orphanet 2268, MedGen C4551557, MONDO:0009454, OMIM 242860.
Centromeric instability of chromosomes 1,9 and 16 and immunodeficiency (ICF1). Also called: Immunodeficiency-centromeric instability-facial anomalies; CENTROMERIC INSTABILITY, IMMUNODEFICIENCY SYNDROME; IMMUNE DEFICIENCY, VARIABLE, WITH CENTROMERIC INSTABILITY OF CHROMOSOMES 1, 9, AND 16; IMMUNODEFICIENCY SYNDROME, VARIABLE. Identifiers: Orphanet 2268, MedGen C0398788, MONDO:0000133.

Allele frequency attached by ClinVar (database versions not stated): ESP Exome Variant Server 0.00015; gnomAD 0.00041; TOPMed 0.00049.
gnomAD v4.1: 930 of 1,614,100 alleles (0.058%); highest among the groups gnomAD compares: Middle Eastern, 0.16%; no homozygotes.

Submissions (7):

CeGaT Center for Human Genetics Tuebingen
Classification: Likely benign. Last evaluated: 2026-07-01. Review status: criteria provided, single submitter. Criteria: CeGaT Center For Human Genetics Tuebingen Variant Classification Criteria Version 2. Collection method: clinical testing. Allele origin: germline. Affected: yes. Observed: 7 variant alleles.
Comment: DNMT3B: BP4, BP7

Labcorp Genetics (formerly Invitae), Labcorp
Classification: Likely benign for Centromeric instability of chromosomes 1,9 and 16 and immunodeficiency. Last evaluated: 2026-01-28. Review status: criteria provided, single submitter. Criteria: Invitae Variant Classification Sherloc (09022015). Collection method: clinical testing. Allele origin: germline.

Mayo Clinic Laboratories, Mayo Clinic
Classification: Likely benign. Last evaluated: 2025-09-29. Review status: criteria provided, single submitter. Criteria: ACMG Guidelines, 2015. Collection method: clinical testing. Allele origin: germline. Observed: 1 variant allele.
Comment: BP4, BP7

PreventionGenetics, part of Exact Sciences
Classification: Likely benign for DNMT3B-related condition. Last evaluated: 2024-12-23. Review status: criteria provided, single submitter. Criteria: ACMG Guidelines, 2015. Collection method: clinical testing. Allele origin: germline.
Comment: This variant is classified as likely benign based on ACMG/AMP sequence variant interpretation guidelines (Richards et al. 2015 PMID: 25741868, with internal and published modifications).

Blueprint Genetics
Classification: Likely benign. Last evaluated: 2024-11-05. Review status: criteria provided, single submitter. Criteria: ACMG Guidelines, 2015. Collection method: clinical testing. Allele origin: germline.

ARUP Laboratories, Molecular Genetics and Genomics, ARUP Laboratories
Classification: Likely benign. Last evaluated: 2023-09-14. Review status: criteria provided, single submitter. Criteria: ARUP Molecular Germline Variant Investigation Process 2024. Collection method: clinical testing. Allele origin: germline.

Illumina Laboratory Services, Illumina
Classification: Uncertain significance for Immunodeficiency-centromeric instability-facial anomalies syndrome 1. Last evaluated: 2018-01-13. Review status: criteria provided, single submitter. Criteria: ICSL Variant Classification Criteria 13 December 2019. Collection method: clinical testing. Allele origin: germline.

NM_006892.4(DNMT3B):c.1035C>T (p.Ile345=)

Gene: DNMT3B (DNA methyltransferase 3 beta; plus strand). Cytogenetic location: 20q11.21.
Variant type: single nucleotide variant.
Coding change: c.1035C>T on transcript NM_006892.4 (MANE Select); coding-DNA position 1035, C replaced by T.
Protein change: p.Ile345=; no amino-acid change (isoleucine 345 retained).
Molecular consequence: synonymous variant.
Genome position (GRCh38, 1-based): chr20:32,792,739, C>T. VCF-style: chr20-32792739-C-T. GRCh37 (hg19) VCF-style: chr20-31380545-C-T.
Other names: p.Ile345=; c.909C>T, p.Ile303= (NM_001207055.2); c.807C>T, p.Ile269= (NM_001207056.2); c.1035C>T, p.Ile345= (NM_175848.2, NM_175849.2); c.1071C>T, p.Ile357= (NM_175850.3).
Identifiers: ClinVar variation 338161 (VCV000338161.42), dbSNP rs150148922, ClinGen allele CA9810375.
Genomic context (GRCh38, chr20:32,792,739, plus strand): 5'-GGAGGACCAGCTGAAGCCCATGTTGGAGTGGGCCCACGGGGGCTTCAAGCCCACTGGGAT[C>T]GAGGGCCTCAAACCCAACAACACGCAACCAGGTGGGAATGAGTCCCCATGGCAGCACCCG-3'
Protein context (NP_008823.1, residues 335-355): WAHGGFKPTG[Ile345=]EGLKPNNTQP